The following is an entry in ClinVar:

ClinVar aggregate classification (germline): Uncertain significance (1 of 4 stars; one submission).

gnomAD v4.1: 51 of 1,561,732 alleles (0.0033%); highest among the groups gnomAD compares: Admixed American, 0.011%; no homozygotes.

Submission:

Labcorp Genetics (formerly Invitae), Labcorp
Classification: Uncertain significance. Last evaluated: 2025-02-03. Review status: criteria provided, single submitter. Criteria: Invitae Variant Classification Sherloc (09022015). Collection method: clinical testing. Allele origin: germline.
Comment: This sequence change falls in intron 9 of the CEP89 gene. It does not directly change the encoded amino acid sequence of the CEP89 protein. It affects a nucleotide within the consensus splice site. This variant is present in population databases (rs369368834, gnomAD 0.005%). This variant has not been reported in the literature in individuals affected with CEP89-related conditions. Variants that disrupt the consensus splice site are a relatively common cause of aberrant splicing (PMID: 17576681, 9536098). Algorithms developed to predict the effect of sequence changes on RNA splicing suggest that this variant is not likely to affect RNA splicing. In summary, the available evidence is currently insufficient to determine the role of this variant in disease. Therefore, it has been classified as a Variant of Uncertain Significance.

Literature cited by the submitters: PubMed 17576681; PubMed 9536098.

NM_032816.5(CEP89):c.1029+5C>T

Gene: CEP89 (centrosomal protein 89; minus strand). Cytogenetic location: 19q13.11.
Variant type: single nucleotide variant.
Coding change: c.1029+5C>T on transcript NM_032816.5 (MANE Select); 5 bases into the intron after coding-DNA position 1029, C replaced by T.
Molecular consequence: intron variant.
Genome position (GRCh38, 1-based): chr19:32,931,424, G>A on the plus strand (C>T on the coding strand, the complement: CEP89 is on the minus strand). VCF-style: chr19-32931424-G-A. GRCh37 (hg19) VCF-style: chr19-33422330-G-A.
Identifiers: ClinVar variation 3606865 (VCV003606865.2).